The following is an entry in ClinVar:

ClinVar aggregate classification (germline): Uncertain significance (1 of 4 stars; one submission).

Conditions:
Dilated cardiomyopathy 1DD (CMD1DD). Identifiers: Orphanet 154, MedGen C2750995, MONDO:0013168, OMIM 613172.

Allele frequency attached by ClinVar (database versions not stated): gnomAD exomes below 0.00001.
gnomAD v4.1: 1 of 1,551,728 alleles (0.000064%); highest among the groups gnomAD compares: Non-Finnish European, 0.000087%; no homozygotes.

Submission:

Labcorp Genetics (formerly Invitae), Labcorp
Classification: Uncertain significance for Dilated cardiomyopathy 1DD. Last evaluated: 2024-12-15. Review status: criteria provided, single submitter. Criteria: Invitae Variant Classification Sherloc (09022015). Collection method: clinical testing. Allele origin: germline.
Comment: This sequence change replaces serine, which is neutral and polar, with asparagine, which is neutral and polar, at codon 317 of the RBM20 protein (p.Ser317Asn). This variant is not present in population databases (gnomAD no frequency). This variant has not been reported in the literature in individuals affected with RBM20-related conditions. ClinVar contains an entry for this variant (Variation ID: 955858). Invitae Evidence Modeling of protein sequence and biophysical properties (such as structural, functional, and spatial information, amino acid conservation, physicochemical variation, residue mobility, and thermodynamic stability) indicates that this missense variant is not expected to disrupt RBM20 protein function with a negative predictive value of 95%. In summary, the available evidence is currently insufficient to determine the role of this variant in disease. Therefore, it has been classified as a Variant of Uncertain Significance.

NM_001134363.3(RBM20):c.950G>A (p.Ser317Asn)

Gene: RBM20 (RNA binding motif protein 20; plus strand). Cytogenetic location: 10q25.2.
Variant type: single nucleotide variant.
Coding change: c.950G>A on transcript NM_001134363.3 (MANE Select); coding-DNA position 950, G replaced by A.
Protein change: p.Ser317Asn; replaces serine 317 with asparagine.
Molecular consequence: missense variant.
Genome position (GRCh38, 1-based): chr10:110,781,559, G>A. VCF-style: chr10-110781559-G-A. GRCh37 (hg19) VCF-style: chr10-112541317-G-A.
Other names: short protein forms S317N.
Identifiers: ClinVar variation 955858 (VCV000955858.9), dbSNP rs1844348749, ClinGen allele CA378384844.